The following is an entry in ClinVar:

NM_001281740.3(FHOD3):c.4280G>A (p.Arg1427Gln)

Gene: FHOD3 (formin homology 2 domain containing 3; plus strand). Cytogenetic location: 18q12.2.
Variant type: single nucleotide variant.
Coding change: c.4280G>A on transcript NM_001281740.3 (MANE Select); coding-DNA position 4280, G replaced by A.
Protein change: p.Arg1427Gln; replaces arginine 1427 with glutamine.
Molecular consequence: missense variant.
Genome position (GRCh38, 1-based): chr18:36,755,166, G>A. VCF-style: chr18-36755166-G-A. GRCh37 (hg19) VCF-style: chr18-34335129-G-A.
Other names: c.3704G>A, p.Arg1235Gln (NM_001281739.3); c.3755G>A, p.Arg1252Gln (NM_025135.5); short protein forms R1235Q, R1252Q, R1427Q.
Identifiers: ClinVar variation 4886066 (VCV004886066.2).

ClinVar aggregate classification (germline): Uncertain significance (1 of 4 stars; one submission).

gnomAD v4.1: 18 of 1,609,474 alleles (0.0011%); highest among the groups gnomAD compares: Admixed American, 0.0017%; no homozygotes.

Submission:

Dasa
Classification: Uncertain significance. Last evaluated: 2025-05-19. Review status: criteria provided, single submitter. Criteria: DASA Assertion Criteria. Collection method: clinical testing. Allele origin: germline.
Comment: NM_001281740.3(FHOD3):c.4280G>A (p.Arg1427Gln) is a missense variant that results in the substitution of arginine with glutamine. This variant is rare in population databases. Computational prediction algorithms are consistent with a benign effect. The currently available literature and clinical evidence are not sufficient to establish a definitive association between this variant and the reported condition. Therefore, this variant is classified as a variant of uncertain significance.